The following is an entry in ClinVar:

ClinVar aggregate classification (germline): Likely benign. Review status: criteria provided, multiple submitters, no conflicts (2 of 4 stars). 3 submissions from 3 submitters: Likely benign (3). Last evaluated 2025-11-13.

Allele frequency attached by ClinVar (database versions not stated): 1000 Genomes Project 30x 0.00016; 1000 Genomes Project 0.00020; gnomAD exomes 0.00032 and 0.00071; ExAC 0.00050; gnomAD 0.00052 and 0.00053; TOPMed 0.00062; ESP Exome Variant Server 0.00085.
gnomAD v4.1: 1,112 of 1,599,792 alleles (0.07%); highest among the groups gnomAD compares: Non-Finnish European, 0.088%; 2 homozygotes.

Submissions (3):

Labcorp Genetics (formerly Invitae), Labcorp
Classification: Likely benign. Last evaluated: 2025-11-13. Review status: criteria provided, single submitter. Criteria: Invitae Variant Classification Sherloc (09022015). Collection method: clinical testing. Allele origin: germline.

CeGaT Center for Human Genetics Tuebingen
Classification: Likely benign. Last evaluated: 2023-03-01. Review status: criteria provided, single submitter. Criteria: CeGaT Center For Human Genetics Tuebingen Variant Classification Criteria Version 2. Collection method: clinical testing. Allele origin: germline. Affected: yes. Observed: 1 variant allele.
Comment: PLTP: BP4, BP7

Breakthrough Genomics
Classification: Likely benign. Review status: criteria provided, single submitter. Criteria: ACMG Guidelines, 2015. Collection method: not provided. Allele origin: germline. Inheritance: Unknown mechanism. Affected: yes.

NM_006227.4(PLTP):c.537C>T (p.Leu179=)

Gene: PLTP (phospholipid transfer protein; minus strand). Cytogenetic location: 20q13.12.
Variant type: single nucleotide variant.
Coding change: c.537C>T on transcript NM_006227.4 (MANE Select); coding-DNA position 537, C replaced by T.
Protein change: p.Leu179=; no amino-acid change (leucine 179 retained).
Molecular consequence: synonymous variant.
Genome position (GRCh38, 1-based): chr20:45,907,853, G>A on the plus strand (C>T on the coding strand, the complement: PLTP is on the minus strand). VCF-style: chr20-45907853-G-A. GRCh37 (hg19) VCF-style: chr20-44536492-G-A.
Other names: c.252C>T, p.Leu84= (NM_001242920.2); c.273C>T, p.Leu91= (NM_001242921.1); c.381C>T, p.Leu127= (NM_182676.3).
Identifiers: ClinVar variation 1461717 (VCV001461717.33), dbSNP rs138461220, ClinGen allele CA9883840.
Genomic context (GRCh38, chr20:45,907,853, plus strand): 5'-TGAGAGCATGCCCACCCTTGCCACCCTGCGACCTGTCGCTGCCCACACCTGCTGGTTGAG[G>A]AGGAAGCGCATCCCTGAGGTGATGAACGTGGAGAGAAAATCATACACCTTCCTGTGAGGA-3'
Protein context (NP_006218.1, residues 169-189): STFITSGMRF[Leu179=]LNQQICPVLY